The following is an entry in ClinVar:

NM_001291303.3(FAT4):c.14718C>T (p.Gly4906=)

Gene: FAT4 (FAT atypical cadherin 4; plus strand). Cytogenetic location: 4q28.1.
Variant type: single nucleotide variant.
Coding change: c.14718C>T on transcript NM_001291303.3 (MANE Select); coding-DNA position 14718, C replaced by T.
Protein change: p.Gly4906=; no amino-acid change (glycine 4906 retained).
Molecular consequence: synonymous variant.
Genome position (GRCh38, 1-based): chr4:125,491,534, C>T. VCF-style: chr4-125491534-C-T. GRCh37 (hg19) VCF-style: chr4-126412689-C-T.
Other names: c.14715C>T, p.Gly4905= (NM_001291285.3); c.14712C>T, p.Gly4904= (NM_024582.6).
Identifiers: ClinVar variation 384301 (VCV000384301.13), dbSNP rs147617723, ClinGen allele CA3074614.

ClinVar aggregate classification (germline): Likely benign. Review status: criteria provided, multiple submitters, no conflicts (2 of 4 stars). 5 submissions from 5 submitters: Likely benign (4). 1 of the submissions does not count toward it. Last evaluated 2026-04-15.

Conditions:
FAT4-related disorder. Also called: FAT4-related condition.

Allele frequency attached by ClinVar (database versions not stated): ExAC 0.00007; gnomAD exomes 0.00008; ESP Exome Variant Server 0.00023; gnomAD 0.00029 and 0.00030; 1000 Genomes Project 30x 0.00031; TOPMed 0.00032; 1000 Genomes Project 0.00040.
gnomAD v4.1: 98 of 1,614,160 alleles (0.0061%); highest among the groups gnomAD compares: African/African-American, 0.1%; no homozygotes.

Submissions (5):

Women's Health and Genetics/Laboratory Corporation of America, LabCorp
Classification: Likely benign. Last evaluated: 2026-04-15. Review status: criteria provided, single submitter. Criteria: LabCorp Variant Classification Summary - May 2015. Collection method: clinical testing. Allele origin: germline.

Labcorp Genetics (formerly Invitae), Labcorp
Classification: Likely benign. Last evaluated: 2025-11-28. Review status: criteria provided, single submitter. Criteria: Invitae Variant Classification Sherloc (09022015). Collection method: clinical testing. Allele origin: germline.

Blueprint Genetics
Classification: Likely benign. Last evaluated: 2023-03-29. Review status: criteria provided, single submitter. Criteria: ACMG Guidelines, 2015. Collection method: clinical testing. Allele origin: germline.

GeneDx
Classification: Likely benign. Last evaluated: 2016-03-14. Review status: criteria provided, single submitter. Criteria: GeneDx Variant Classification (06012015). Collection method: clinical testing. Allele origin: germline. Affected: yes.
Comment: This variant is considered likely benign or benign based on one or more of the following criteria: it is a conservative change, it occurs at a poorly conserved position in the protein, it is predicted to be benign by multiple in silico algorithms, and/or has population frequency not consistent with disease.

PreventionGenetics, part of Exact Sciences
Classification: Likely benign for FAT4-related condition. Last evaluated: 2022-10-04. Review status: no assertion criteria provided. Collection method: clinical testing. Allele origin: germline. Not counted in ClinVar's aggregate classification.
Comment: This variant is classified as likely benign based on ACMG/AMP sequence variant interpretation guidelines (Richards et al. 2015 PMID: 25741868, with internal and published modifications).